The following is an entry in ClinVar:

NM_004168.4(SDHA):c.63+3del

Gene: SDHA (succinate dehydrogenase complex flavoprotein subunit A; plus strand). Cytogenetic location: 5p15.33.
Variant type: Deletion.
Coding change: c.63+3del on transcript NM_004168.4 (MANE Select); 3 bases into the intron after coding-DNA position 63, one base deleted (G; older notation c.63+3delG).
Molecular consequence: intron variant.
Genome position (GRCh38, 1-based): chr5:218,421, G deleted. VCF-style (leftmost placement, unchanged base first): chr5-218420-TG-T. GRCh37 (hg19) VCF-style: chr5-218535-TG-T.
Other names: c.63+3del (NM_001330758.2, NM_001294332.2); c.63+3delG (NM_004168.2).
Identifiers: ClinVar variation 1009443 (VCV001009443.9), dbSNP rs1734505446, ClinGen allele CA1521976611.

ClinVar aggregate classification (germline): Uncertain significance. Review status: criteria provided, multiple submitters, no conflicts (2 of 4 stars). 3 submissions from 3 submitters: Uncertain significance (3). Last evaluated 2025-08-25.

Conditions:
Mitochondrial complex II deficiency, nuclear type 1. Also called: SUCCINATE CoQ REDUCTASE DEFICIENCY. Identifiers: Orphanet 3208, MedGen C5700310, MONDO:0100294, OMIM 252011.
Pheochromocytoma/paraganglioma syndrome 5. Also called: Paragangliomas 5; SDHA-Related Hereditary Paraganglioma-Pheochromocytoma Syndrome. Identifiers: Orphanet 29072, MedGen C3279992, MONDO:0013602, OMIM 614165.
Hereditary cancer-predisposing syndrome. Also called: Tumor predisposition; Hereditary neoplastic syndrome; Neoplastic Syndromes, Hereditary; Hereditary Cancer Syndrome. Identifiers: Orphanet 140162, MedGen C0027672, MeSH D009386, MONDO:0015356.
Dilated cardiomyopathy 1GG (CMD1GG). Identifiers: Orphanet 154, MedGen C3150898, MONDO:0013339, OMIM 613642.

Submissions (3):

Ambry Genetics
Classification: Uncertain significance for Hereditary cancer-predisposing syndrome. Last evaluated: 2025-08-25. Review status: criteria provided, single submitter. Criteria: Ambry Variant Classification Scheme 2023. Collection method: clinical testing. Allele origin: germline.
Comment: The c.63+3delG intronic variant, located in intron 1 of the SDHA gene, results from a deletion of one nucleotide within intron 1 of the SDHA gene. In silico splice site analysis predicts that this alteration may weaken the native splice donor site and will result in the creation or strengthening of a novel splice donor site; however, direct evidence is insufficient at this time (Ambry internal data). Based on the available evidence, the clinical significance of this variant remains unclear.

Baylor Genetics
Classification: Uncertain significance for Dilated cardiomyopathy 1GG. Last evaluated: 2023-09-28. Review status: criteria provided, single submitter. Criteria: ACMG Guidelines, 2015. Collection method: clinical testing. Allele origin: unknown.

Labcorp Genetics (formerly Invitae), Labcorp
Classification: Uncertain significance for Pheochromocytoma/paraganglioma syndrome 5; Mitochondrial complex II deficiency, nuclear type 1. Last evaluated: 2020-09-16. Review status: criteria provided, single submitter. Criteria: Invitae Variant Classification Sherloc (09022015). Collection method: clinical testing. Allele origin: germline.
Comment: In summary, the available evidence is currently insufficient to determine the role of this variant in disease. Therefore, it has been classified as a Variant of Uncertain Significance. Nucleotide substitutions within the consensus splice site are a relatively common cause of aberrant splicing (PMID: 17576681, 9536098). Algorithms developed to predict the effect of sequence changes on RNA splicing suggest that this variant may disrupt the consensus splice site, but this prediction has not been confirmed by published transcriptional studies. This variant has not been reported in the literature in individuals with SDHA-related conditions. The frequency data for this variant in the population databases is considered unreliable, as metrics indicate insufficient coverage at this position in the ExAC database. This sequence change falls in intron 1 of the SDHA gene. It does not directly change the encoded amino acid sequence of the SDHA protein, but it affects a nucleotide within the consensus splice site of the intron.

Literature cited by the submitters: PubMed 17576681 (cited by Labcorp Genetics (formerly Invitae), Labcorp); PubMed 9536098 (cited by Labcorp Genetics (formerly Invitae), Labcorp).